The following is an entry in ClinVar:

ClinVar aggregate classification (germline): Uncertain significance (1 of 4 stars; one submission).

Submission:

GeneDx
Classification: Uncertain significance. Last evaluated: 2026-02-25. Review status: criteria provided, single submitter. Criteria: GeneDx Variant Classification Process June 2021. Collection method: clinical testing. Allele origin: germline.
Comment: Not observed at significant frequency in large population cohorts (gnomAD); In silico analysis supports that this missense variant has a deleterious effect on protein structure/function; Has not been previously published as pathogenic or benign to our knowledge; This variant is associated with the following publications: (PMID: 15632063, 15923622)

NM_024529.5(CDC73):c.1106C>A (p.Thr369Asn)

Gene: CDC73 (cell division cycle 73; plus strand). Cytogenetic location: 1q31.2.
Variant type: single nucleotide variant.
Coding change: c.1106C>A on transcript NM_024529.5 (MANE Select); coding-DNA position 1106, C replaced by A.
Protein change: p.Thr369Asn; replaces threonine 369 with asparagine.
Molecular consequence: missense variant.
Genome position (GRCh38, 1-based): chr1:193,212,429, C>A. VCF-style: chr1-193212429-C-A. GRCh37 (hg19) VCF-style: chr1-193181559-C-A.
Other names: short protein forms T369N.
Identifiers: ClinVar variation 5007994 (VCV005007994.1).